The following is an entry in ClinVar:

ClinVar aggregate classification (germline): Likely benign (0 of 4 stars; one submission).

Conditions:
CREBBP-related disorder. Also called: CREBBP-related condition; CREBBP-related disorders.

gnomAD v4.1: 7 of 1,528,906 alleles (0.00046%); highest among the groups gnomAD compares: Admixed American, 0.002%; no homozygotes.

Submission:

PreventionGenetics, part of Exact Sciences
Classification: Likely benign for CREBBP-related condition. Last evaluated: 2021-12-12. Review status: no assertion criteria provided. Collection method: clinical testing. Allele origin: germline.
Comment: This variant is classified as likely benign based on ACMG/AMP sequence variant interpretation guidelines (Richards et al. 2015 PMID: 25741868, with internal and published modifications).

NM_004380.3(CREBBP):c.5790C>A (p.Pro1930=)

Gene: CREBBP (CREB binding lysine acetyltransferase; minus strand). Cytogenetic location: 16p13.3.
Variant type: single nucleotide variant.
Coding change: c.5790C>A on transcript NM_004380.3 (MANE Select); coding-DNA position 5790, C replaced by A.
Protein change: p.Pro1930=; no amino-acid change (proline 1930 retained).
Molecular consequence: synonymous variant.
Genome position (GRCh38, 1-based): chr16:3,729,257, G>T on the plus strand (C>A on the coding strand, the complement: CREBBP is on the minus strand). VCF-style: chr16-3729257-G-T. GRCh37 (hg19) VCF-style: chr16-3779258-G-T.
Other names: c.5676C>A, p.Pro1892= (NM_001079846.1).
Identifiers: ClinVar variation 3031749 (VCV003031749.2), dbSNP rs770780203, ClinGen allele CA493394000.